The following is an entry in ClinVar:

NM_001367823.1(ARHGEF18):c.3992C>T (p.Ala1331Val)

Gene: ARHGEF18 (Rho/Rac guanine nucleotide exchange factor 18; plus strand). Cytogenetic location: 19p13.2.
Variant type: single nucleotide variant.
Coding change: c.3992C>T on transcript NM_001367823.1 (MANE Select); coding-DNA position 3992, C replaced by T.
Protein change: p.Ala1331Val; replaces alanine 1331 with valine.
Molecular consequence: missense variant.
Genome position (GRCh38, 1-based): chr19:7,470,204, C>T. VCF-style: chr19-7470204-C-T. GRCh37 (hg19) VCF-style: chr19-7535090-C-T.
Other names: c.3266C>T, p.Ala1089Val (NM_001130955.2); c.2954C>T, p.Ala985Val (NM_001367824.1, NM_015318.4); short protein forms A1089V, A1331V, A985V.
Identifiers: ClinVar variation 2014298 (VCV002014298.4), dbSNP rs745386345, ClinGen allele CA403098331.

ClinVar aggregate classification (germline): Uncertain significance (1 of 4 stars; one submission).

Submission:

Labcorp Genetics (formerly Invitae), Labcorp
Classification: Uncertain significance. Last evaluated: 2022-11-07. Review status: criteria provided, single submitter. Criteria: Invitae Variant Classification Sherloc (09022015). Collection method: clinical testing. Allele origin: germline.
Comment: In summary, the available evidence is currently insufficient to determine the role of this variant in disease. Therefore, it has been classified as a Variant of Uncertain Significance. Algorithms developed to predict the effect of missense changes on protein structure and function (SIFT, PolyPhen-2, Align-GVGD) all suggest that this variant is likely to be tolerated. This variant has not been reported in the literature in individuals affected with ARHGEF18-related conditions. This variant is not present in population databases (gnomAD no frequency). This sequence change replaces alanine, which is neutral and non-polar, with valine, which is neutral and non-polar, at codon 1143 of the ARHGEF18 protein (p.Ala1143Val).